The following is an entry in ClinVar:

NM_000051.4(ATM):c.186-17A>G

Gene: ATM (ATM serine/threonine kinase; plus strand). Cytogenetic location: 11q22.3.
Variant type: single nucleotide variant.
Coding change: c.186-17A>G on transcript NM_000051.4 (MANE Select); 17 bases into the intron before coding-DNA position 186, A replaced by G.
Molecular consequence: intron variant.
Genome position (GRCh38, 1-based): chr11:108,229,161, A>G. VCF-style: chr11-108229161-A-G. GRCh37 (hg19) VCF-style: chr11-108099888-A-G.
Other names: c.186-17A>G (NM_001351834.2, NM_001351835.2, NM_001351836.2).
Identifiers: ClinVar variation 489518 (VCV000489518.45), dbSNP rs4987907, ClinGen allele CA6264532.

ClinVar aggregate classification (germline): Benign/Likely benign. Review status: criteria provided, multiple submitters, no conflicts (2 of 4 stars). 19 submissions from 19 submitters: Benign (12); Likely benign (1). 6 of the submissions do not count toward it. Last evaluated 2026-02-04.

Conditions:
Familial cancer of breast. Also called: hereditary breast carcinoma; Hereditary breast cancer; BREAST CANCER, FAMILIAL. Identifiers: Orphanet 227535, MedGen C0346153, MONDO:0016419, OMIM 114480. Disease mechanism: loss of function.
Breast and/or ovarian cancer. Identifiers: MedGen CN221562.
Hereditary cancer-predisposing syndrome. Also called: Tumor predisposition; Hereditary Cancer Syndrome; Neoplastic Syndromes, Hereditary; Hereditary neoplastic syndrome. Identifiers: Orphanet 140162, MedGen C0027672, MeSH D009386, MONDO:0015356.
Familial colorectal cancer type X. Identifiers: Orphanet 440437, MedGen C3896578, MONDO:0018604.
Hereditary breast ovarian cancer syndrome. Also called: Hereditary breast and ovarian cancer; Hereditary breast and ovarian cancer syndrome (HBOC); Hereditary breast and ovarian cancer syndrome; BRCA1- and BRCA2-Associated Hereditary Breast and Ovarian Cancer; Hereditary breast and/or ovarian cancer syndrome; Breast and ovarian cancer. Identifiers: Orphanet 145, MedGen C0677776, MeSH D061325, MONDO:0003582. Disease mechanism: loss of function.
Ataxia-telangiectasia syndrome (AT). Also called: Cerebello-oculocutaneous telangiectasia; Immunodeficiency with ataxia telangiectasia; Ataxia-telangiectasia; Ataxia-telangiectasia, complementation group D; AT, COMPLEMENTATION GROUP C; ATAXIA-TELANGIECTASIA, COMPLEMENTATION GROUP A. Identifiers: Orphanet 100, MedGen C0004135, MONDO:0008840, OMIM 208900.

Allele frequency attached by ClinVar (database versions not stated): TOPMed 0.01704; 1000 Genomes Project 30x 0.01952; 1000 Genomes Project 0.01977; gnomAD exomes 0.00216 and 0.00446; ExAC 0.00727; gnomAD 0.01481 and 0.01587; ESP Exome Variant Server 0.01571.
gnomAD v4.1: 5,557 of 1,605,580 alleles (0.35%); highest among the groups gnomAD compares: African/African-American, 5%; 112 homozygotes.

Submissions (19):

Labcorp Genetics (formerly Invitae), Labcorp
Classification: Benign for Ataxia-telangiectasia syndrome. Last evaluated: 2026-02-04. Review status: criteria provided, single submitter. Criteria: Invitae Variant Classification Sherloc (09022015). Collection method: clinical testing. Allele origin: germline.

ARUP Laboratories, Molecular Genetics and Genomics, ARUP Laboratories
Classification: Benign. Last evaluated: 2025-06-27. Review status: criteria provided, single submitter. Criteria: ARUP Molecular Germline Variant Investigation Process 2024. Collection method: clinical testing. Allele origin: germline.

Center for Genomic Medicine, Rigshospitalet, Copenhagen University Hospital
Classification: Benign. Last evaluated: 2025-03-04. Review status: criteria provided, single submitter. Criteria: ACMG Guidelines, 2015. Collection method: clinical testing. Allele origin: germline.

Blueprint Genetics
Classification: Likely benign. Last evaluated: 2024-11-26. Review status: criteria provided, single submitter. Criteria: ACMG Guidelines, 2015. Collection method: clinical testing. Allele origin: germline.

Department of Pathology and Laboratory Medicine, Sinai Health System
Classification: Benign for Familial colorectal cancer type X. Last evaluated: 2024-08-07. Review status: criteria provided, single submitter. Criteria: ACMG Guidelines, 2015. Collection method: clinical testing. Allele origin: germline. Affected: yes.

Myriad Genetics, Inc.
Classification: Benign for Familial cancer of breast. Last evaluated: 2024-04-17. Review status: criteria provided, single submitter. Criteria: Myriad Autosomal Dominant, Autosomal Recessive and X-Linked Classification Criteria (2023). Collection method: clinical testing. Allele origin: unknown.
Comment: This variant is considered benign. This variant is intronic and is not expected to impact mRNA splicing. This variant has been observed at a population frequency that is significantly greater than expected given the associated disease prevalence and penetrance.

KCCC/NGS Laboratory, Kuwait Cancer Control Center
Classification: Benign for Familial cancer of breast. Last evaluated: 2023-07-07. Review status: criteria provided, single submitter. Criteria: ACMG Guidelines, 2015. Collection method: clinical testing. Allele origin: germline. Affected: yes.

National Health Laboratory Service, Universitas Academic Hospital and University of the Free State
Classification: Benign for Hereditary breast ovarian cancer syndrome. Last evaluated: 2022-04-19. Review status: criteria provided, single submitter. Criteria: ACMG Guidelines, 2015. Collection method: clinical testing. Allele origin: germline. Affected: yes. Observed: 9 variant alleles.

CHEO Genetics Diagnostic Laboratory, Children's Hospital of Eastern Ontario
Classification: Benign for Breast and/or ovarian cancer. Last evaluated: 2021-05-26. Review status: criteria provided, single submitter. Criteria: ACMG Guidelines, 2015. Collection method: clinical testing. Allele origin: germline.

PreventionGenetics, part of Exact Sciences
Classification: Benign. Last evaluated: 2017-02-17. Review status: criteria provided, single submitter. Criteria: ACMG Guidelines, 2015. Collection method: clinical testing. Allele origin: germline.

Color Diagnostics, LLC DBA Color Health
Classification: Benign for Hereditary cancer-predisposing syndrome. Last evaluated: 2015-04-22. Review status: criteria provided, single submitter. Criteria: ACMG Guidelines, 2015. Collection method: clinical testing. Allele origin: germline.

GeneDx
Classification: Benign. Last evaluated: 2015-03-03. Review status: criteria provided, single submitter. Criteria: GeneDx Variant Classification Process June 2021. Collection method: clinical testing. Allele origin: germline. Affected: yes.

Breakthrough Genomics
Classification: Benign. Review status: criteria provided, single submitter. Criteria: ACMG Guidelines, 2015. Collection method: not provided. Allele origin: germline. Inheritance: Autosomal recessive inheritance. Affected: yes.

Counsyl
Classification: Benign for Ataxia-telangiectasia syndrome. Last evaluated: 2017-09-01. Review status: no assertion criteria provided. Collection method: clinical testing. Allele origin: unknown. Not counted in ClinVar's aggregate classification.

Genome Diagnostics Laboratory, Amsterdam University Medical Center
Classification: Benign for Ataxia-telangiectasia syndrome. Last evaluated: 2017-08-22. Review status: no assertion criteria provided. Criteria: ACGS Guidelines, 2013. Collection method: clinical testing. Allele origin: germline. Affected: yes. Study: VKGL Data-share Consensus. Not counted in ClinVar's aggregate classification.

Clinical Genetics Laboratory, Department of Pathology, Netherlands Cancer Institute
Classification: Benign. Review status: no assertion criteria provided. Collection method: clinical testing. Allele origin: germline. Affected: yes. Study: VKGL Data-share Consensus. Not counted in ClinVar's aggregate classification.

Clinical Genetics, Academic Medical Center
Classification: Benign. Review status: no assertion criteria provided. Collection method: clinical testing. Allele origin: germline. Affected: yes. Study: VKGL Data-share Consensus. Not counted in ClinVar's aggregate classification.

Joint Genome Diagnostic Labs from Nijmegen and Maastricht, Radboudumc and MUMC+
Classification: Benign. Review status: no assertion criteria provided. Collection method: clinical testing. Allele origin: germline. Affected: yes. Study: VKGL Data-share Consensus. Not counted in ClinVar's aggregate classification.

Laboratory of Diagnostic Genome Analysis, Leiden University Medical Center (LUMC)
Classification: Benign. Review status: no assertion criteria provided. Collection method: clinical testing. Allele origin: germline. Affected: yes. Study: VKGL Data-share Consensus. Not counted in ClinVar's aggregate classification.